The following is an entry in ClinVar:

NM_012293.3(PXDN):c.2620C>T (p.Arg874Cys)

Gene: PXDN (peroxidasin; minus strand). Cytogenetic location: 2p25.3.
Variant type: single nucleotide variant.
Coding change: c.2620C>T on transcript NM_012293.3 (MANE Select); coding-DNA position 2620, C replaced by T.
Protein change: p.Arg874Cys; replaces arginine 874 with cysteine.
Molecular consequence: missense variant.
Genome position (GRCh38, 1-based): chr2:1,649,160, G>A on the plus strand (C>T on the coding strand, the complement: PXDN is on the minus strand). VCF-style: chr2-1649160-G-A. GRCh37 (hg19) VCF-style: chr2-1652932-G-A.
Other names: short protein forms R874C.
Identifiers: ClinVar variation 2387572 (VCV002387572.4), dbSNP rs201983337, ClinGen allele CA1512940.
Genomic context (GRCh38, chr2:1,649,160, plus strand): 5'-TGAGCAGCGAAGTCATGCCGCTGCCGCACACAGGGCTGGAGCGCACGAAGAACATGCAGC[G>A]GGCCCCGCTCCTGGCCCGGGAGTCATTGGGGGGGATCATGACAGAGAAGCAGGGGGGGTC-3'
Protein context (NP_036425.1, residues 864-884): PNDSRARSGA[Arg874Cys]CMFFVRSSPV

ClinVar aggregate classification (germline): Uncertain significance. Review status: criteria provided, multiple submitters, no conflicts (2 of 4 stars). 2 submissions from 2 submitters: Uncertain significance (2). Last evaluated 2025-11-17.

Conditions:
Anterior segment dysgenesis 7 (ASGD7). Also called: SCLEROCORNEA WITH OTHER OCULAR ANOMALIES; Anterior segment dysgenesis 7, with sclerocornea. Identifiers: Orphanet 289499, MedGen C3151617, MONDO:0010015, OMIM 269400.
Inborn genetic diseases. Identifiers: MedGen C0950123, MeSH D030342.

Allele frequency attached by ClinVar (database versions not stated): gnomAD exomes 0.00003; ExAC 0.00009; gnomAD 0.00023; TOPMed 0.00027; ESP Exome Variant Server 0.00047.
gnomAD v4.1: 74 of 1,611,506 alleles (0.0046%); highest among the groups gnomAD compares: African/African-American, 0.076%; no homozygotes.

Submissions (2):

Laboratorio de Genetica e Diagnostico Molecular, Hospital Israelita Albert Einstein
Classification: Uncertain significance for Anterior segment dysgenesis 7. Last evaluated: 2025-11-17. Review status: criteria provided, single submitter. Criteria: ACMG Guidelines, 2015. Collection method: clinical testing. Allele origin: germline. Affected: yes.
Comment: ACMG classification criteria: PM2 supporting, PP3 supporting

Ambry Genetics
Classification: Uncertain significance for Inborn genetic diseases. Last evaluated: 2025-09-10. Review status: criteria provided, single submitter. Criteria: Ambry Variant Classification Scheme 2023. Collection method: clinical testing. Allele origin: germline.